The following is an entry in ClinVar:

ClinVar aggregate classification (germline): Uncertain significance. Review status: criteria provided, multiple submitters, no conflicts (2 of 4 stars). 5 submissions from 5 submitters: Uncertain significance (4). 1 of the submissions does not count toward it. Last evaluated 2025-11-18.

Conditions:
Aplastic anemia. Identifiers: Orphanet 182040, Orphanet 88, MedGen C0002874, MONDO:0015909, OMIM 609135, HP:0001915.
Microcephaly, normal intelligence and immunodeficiency (NBS). Also called: IMMUNODEFICIENCY, MICROCEPHALY, AND CHROMOSOMAL INSTABILITY; SEEMANOVA SYNDROME II; Immunodeficiency, microcephaly with normal intelligence; Ataxia telangiectasia variant V1; Nijmegen breakage syndrome; Microcephaly with normal intelligence immunodeficiency and lymphoreticular malignancies. Identifiers: Orphanet 647, MedGen C0398791, MONDO:0009623, OMIM 251260.
Hereditary cancer-predisposing syndrome. Also called: Hereditary neoplastic syndrome; Neoplastic Syndromes, Hereditary; Tumor predisposition; Hereditary Cancer Syndrome. Identifiers: Orphanet 140162, MedGen C0027672, MeSH D009386, MONDO:0015356.

Allele frequency attached by ClinVar (database versions not stated): TOPMed below 0.00001; gnomAD 0.00001; gnomAD exomes 0.00001.
gnomAD v4.1: 10 of 1,611,322 alleles (0.00062%); highest among the groups gnomAD compares: Non-Finnish European, 0.00085%; no homozygotes.

Submissions (5):

Ambry Genetics
Classification: Uncertain significance for Hereditary cancer-predisposing syndrome. Last evaluated: 2025-11-18. Review status: criteria provided, single submitter. Criteria: Ambry Variant Classification Scheme 2023. Collection method: clinical testing. Allele origin: germline.
Comment: The p.M475L variant (also known as c.1423A>C), located in coding exon 11 of the NBN gene, results from an A to C substitution at nucleotide position 1423. The methionine at codon 475 is replaced by leucine, an amino acid with highly similar properties. In one study, this alteration was observed in 1/3236 cases with invasive epithelial ovarian cancer and 0/3431 controls (Ramus SJ et al. J. Natl. Cancer Inst., 2015 Nov;107:). This amino acid position is poorly conserved in available vertebrate species. In addition, this alteration is predicted to be tolerated by in silico analysis. Since supporting evidence is limited at this time, the clinical significance of this alteration remains unclear.

Labcorp Genetics (formerly Invitae), Labcorp
Classification: Uncertain significance for Microcephaly, normal intelligence and immunodeficiency. Last evaluated: 2025-02-19. Review status: criteria provided, single submitter. Criteria: Invitae Variant Classification Sherloc (09022015). Collection method: clinical testing. Allele origin: germline.
Comment: This sequence change replaces methionine, which is neutral and non-polar, with leucine, which is neutral and non-polar, at codon 475 of the NBN protein (p.Met475Leu). This variant is not present in population databases (gnomAD no frequency). This missense change has been observed in individual(s) with ovarian cancer (PMID: 26315354). ClinVar contains an entry for this variant (Variation ID: 411777). An algorithm developed to predict the effect of missense changes on protein structure and function (PolyPhen-2) suggests that this variant is likely to be tolerated. In summary, the available evidence is currently insufficient to determine the role of this variant in disease. Therefore, it has been classified as a Variant of Uncertain Significance.

Baylor Genetics
Classification: Uncertain significance for Aplastic anemia. Last evaluated: 2023-12-15. Review status: criteria provided, single submitter. Criteria: ACMG Guidelines, 2015. Collection method: clinical testing. Allele origin: unknown.

Genome-Nilou Lab
Classification: Uncertain significance for Microcephaly, normal intelligence and immunodeficiency. Last evaluated: 2021-11-07. Review status: criteria provided, single submitter. Criteria: ACMG Guidelines, 2015. Collection method: clinical testing. Allele origin: germline. Affected: no.

Natera, Inc.
Classification: Uncertain significance for Nijmegen breakage syndrome. Last evaluated: 2020-09-16. Review status: no assertion criteria provided. Collection method: clinical testing. Allele origin: germline. Not counted in ClinVar's aggregate classification.

Literature cited by the submitters: PubMed 26315354 (cited by Ambry Genetics and Labcorp Genetics (formerly Invitae), Labcorp).

NM_002485.5(NBN):c.1423A>C (p.Met475Leu)

Gene: NBN (nibrin; minus strand). Cytogenetic location: 8q21.3.
Variant type: single nucleotide variant.
Coding change: c.1423A>C on transcript NM_002485.5 (MANE Select); coding-DNA position 1423, A replaced by C.
Protein change: p.Met475Leu; replaces methionine 475 with leucine.
Molecular consequence: missense variant.
Genome position (GRCh38, 1-based): chr8:89,953,666, T>G on the plus strand (A>C on the coding strand, the complement: NBN is on the minus strand). VCF-style: chr8-89953666-T-G. GRCh37 (hg19) VCF-style: chr8-90965894-T-G.
Other names: c.1177A>C, p.Met393Leu (NM_001024688.3); short protein forms M475L, M393L.
Identifiers: ClinVar variation 411777 (VCV000411777.22), dbSNP rs767106269, ClinGen allele CA16612537.
Genomic context (GRCh38, chr8:89,953,666, plus strand): 5'-GTTGTGTTTGTTCTAAAAGAGAACAAGACGTTTCTATTCTTGCTGATTTGCATGAAGACA[T>G]TTCTTGATTTTCTTCATCCCTTTCCCTTAGATTTAAAAAAAAAGAAGAAAACAAAACAAG-3'
Protein context (NP_002476.2, residues 465-485): KRERDEENQE[Met475Leu]SSCKSARIET